The following is an entry in ClinVar:

NM_005359.6(SMAD4):c.668-10_668-9dup

Gene: SMAD4 (SMAD family member 4; plus strand). Cytogenetic location: 18q21.2.
Variant type: Duplication.
Coding change: c.668-10_668-9dup on transcript NM_005359.6 (MANE Select); 10 bases into the intron before coding-DNA position 668 through 9 bases into the intron before coding-DNA position 668, 2 bases duplicated (GT; older notation c.668-10_668-9dupGT).
Molecular consequence: intron variant.
Genome position (GRCh38, 1-based): chr18:51,058,115-51,058,116, GT duplicated; duplicating any 2 consecutive bases within chr18:51,058,114-51,058,116 gives the same sequence; the c. name uses the placement nearest the transcript's 3' end. VCF-style (leftmost placement, unchanged base first): chr18-51058113-T-TTG. GRCh37 (hg19) VCF-style: chr18-48584483-T-TTG.
Other names: c.668-10_668-9dup (NM_001407042.1, NM_001407041.1, NM_001407043.1).
Identifiers: ClinVar variation 3894125 (VCV003894125.2).

ClinVar aggregate classification (germline): Likely benign. Review status: criteria provided, multiple submitters, no conflicts (2 of 4 stars). 2 submissions from 2 submitters: Likely benign (2). Last evaluated 2025-03-19.

Conditions:
Juvenile polyposis/hereditary hemorrhagic telangiectasia syndrome (JPHT). Also called: JP/HHT SYNDROME; JUVENILE POLYPOSIS WITH HEREDITARY HEMORRHAGIC TELANGIECTASIA; POLYPOSIS, GENERALIZED JUVENILE, WITH PULMONARY ARTERIOVENOUS MALFORMATION; TELANGIECTASIA, HEREDITARY HEMORRHAGIC, WITH JUVENILE POLYPOSIS COLI; Juvenile Polyposis Syndrome / Hereditary Hemorrhagic Telangiectasia (JPS/HHT). Identifiers: Orphanet 2929, MedGen C1832942, MONDO:0008278, OMIM 175050.
Hereditary cancer-predisposing syndrome. Also called: Neoplastic Syndromes, Hereditary; Tumor predisposition; Hereditary neoplastic syndrome; Hereditary Cancer Syndrome. Identifiers: Orphanet 140162, MedGen C0027672, MeSH D009386, MONDO:0015356.

Submissions (2):

Myriad Genetics, Inc.
Classification: Likely benign for Juvenile polyposis/hereditary hemorrhagic telangiectasia syndrome. Last evaluated: 2025-03-19. Review status: criteria provided, single submitter. Criteria: Myriad Autosomal Dominant, Autosomal Recessive and X-Linked Classification Criteria (2023). Collection method: clinical testing. Allele origin: unknown.
Comment: This variant is considered likely benign. This variant is intronic and is not expected to impact mRNA splicing.

Color Diagnostics, LLC DBA Color Health
Classification: Likely benign for Hereditary cancer-predisposing syndrome. Last evaluated: 2024-10-07. Review status: criteria provided, single submitter. Criteria: ACMG Guidelines, 2015. Collection method: clinical testing. Allele origin: germline.